The following is an entry in ClinVar:

NM_007194.4(CHEK2):c.394del (p.Arg132fs)

Gene: CHEK2 (checkpoint kinase 2; minus strand). Cytogenetic location: 22q12.1.
Variant type: Deletion.
Coding change: c.394del on transcript NM_007194.4 (MANE Select); coding-DNA position 394, one base deleted (A; older notation c.394delA).
Protein change: p.Arg132fs; shifts the reading frame from arginine 132.
Molecular consequence: frameshift variant.
Genome position (GRCh38, 1-based): chr22:28,725,293, T deleted on the plus strand (A on the coding strand, the reverse complement: CHEK2 is on the minus strand); the first of 4 consecutive T bases (chr22:28,725,293-28,725,296); deleting any one gives the same sequence. VCF-style (leftmost placement, unchanged base first): chr22-28725292-CT-C. GRCh37 (hg19) VCF-style: chr22-29121280-CT-C.
Other names: c.520delA, p.Arg175Glufs (NM_001005735.3); c.-387delA (NM_001257387.3); c.391delA, p.Arg132Glufs (NM_001349956.3, NM_145862.3); short protein forms R132fs, R175fs.
Identifiers: ClinVar variation 2793709 (VCV002793709.3), dbSNP rs2518059514, ClinGen allele CA645603989.

ClinVar aggregate classification (germline): Pathogenic (1 of 4 stars; one submission).

Conditions:
Familial cancer of breast. Also called: BREAST CANCER, FAMILIAL; Hereditary breast cancer; hereditary breast carcinoma. Identifiers: Orphanet 227535, MedGen C0346153, MONDO:0016419, OMIM 114480. Disease mechanism: loss of function.

Submission:

Labcorp Genetics (formerly Invitae), Labcorp
Classification: Pathogenic for Familial cancer of breast. Last evaluated: 2023-11-07. Review status: criteria provided, single submitter. Criteria: Invitae Variant Classification Sherloc (09022015). Collection method: clinical testing. Allele origin: germline.
Comment: This sequence change creates a premature translational stop signal (p.Arg132Glufs*29) in the CHEK2 gene. It is expected to result in an absent or disrupted protein product. Loss-of-function variants in CHEK2 are known to be pathogenic (PMID: 21876083, 24713400). This variant is not present in population databases (gnomAD no frequency). This variant has not been reported in the literature in individuals affected with CHEK2-related conditions. For these reasons, this variant has been classified as Pathogenic.

Literature cited by the submitters: PubMed 21876083; PubMed 24713400.